The following is an entry in ClinVar:

NM_022367.4(SEMA4A):c.1130G>A (p.Gly377Asp)

Gene: SEMA4A (semaphorin 4A; plus strand). Cytogenetic location: 1q22.
Variant type: single nucleotide variant.
Coding change: c.1130G>A on transcript NM_022367.4 (MANE Select); coding-DNA position 1130, G replaced by A.
Protein change: p.Gly377Asp; replaces glycine 377 with aspartic acid.
Molecular consequence: missense variant.
Genome position (GRCh38, 1-based): chr1:156,163,090, G>A. VCF-style: chr1-156163090-G-A. GRCh37 (hg19) VCF-style: chr1-156132881-G-A.
Other names: c.1130G>A, p.Gly377Asp (NM_001193300.2, NM_001193301.2, NM_001370567.1); c.734G>A, p.Gly245Asp (NM_001193302.2); c.833G>A, p.Gly278Asp (NM_001370568.1); c.623G>A, p.Gly208Asp (NM_001370569.1, NM_001370571.1); short protein forms G208D, G245D, G278D, G377D.
Identifiers: ClinVar variation 3685795 (VCV003685795.2).

ClinVar aggregate classification (germline): Uncertain significance (1 of 4 stars; one submission).

Submission:

Labcorp Genetics (formerly Invitae), Labcorp
Classification: Uncertain significance. Last evaluated: 2024-03-19. Review status: criteria provided, single submitter. Criteria: Invitae Variant Classification Sherloc (09022015). Collection method: clinical testing. Allele origin: germline.
Comment: This sequence change replaces glycine, which is neutral and non-polar, with aspartic acid, which is acidic and polar, at codon 377 of the SEMA4A protein (p.Gly377Asp). This variant is present in population databases (no rsID available, gnomAD 0.0009%). This variant has not been reported in the literature in individuals affected with SEMA4A-related conditions. Advanced modeling of protein sequence and biophysical properties (such as structural, functional, and spatial information, amino acid conservation, physicochemical variation, residue mobility, and thermodynamic stability) performed at Invitae indicates that this missense variant is expected to disrupt SEMA4A protein function with a positive predictive value of 80%. In summary, the available evidence is currently insufficient to determine the role of this variant in disease. Therefore, it has been classified as a Variant of Uncertain Significance.